The following is an entry in ClinVar:

NM_014822.4(SEC24D):c.190C>T (p.Pro64Ser)

Gene: SEC24D (SEC24 homolog D, COPII component; minus strand). Cytogenetic location: 4q26.
Variant type: single nucleotide variant.
Coding change: c.190C>T on transcript NM_014822.4 (MANE Select); coding-DNA position 190, C replaced by T.
Protein change: p.Pro64Ser; replaces proline 64 with serine.
Molecular consequence: missense variant.
Genome position (GRCh38, 1-based): chr4:118,824,678, G>A on the plus strand (C>T on the coding strand, the complement: SEC24D is on the minus strand). VCF-style: chr4-118824678-G-A. GRCh37 (hg19) VCF-style: chr4-119745833-G-A.
Other names: c.190C>T, p.Pro64Ser (NM_001318066.2); short protein forms P64S.
Identifiers: ClinVar variation 1921935 (VCV001921935.5), dbSNP rs747543689, ClinGen allele CA3057612.

ClinVar aggregate classification (germline): Uncertain significance (1 of 4 stars; one submission).

Allele frequency attached by ClinVar (database versions not stated): gnomAD exomes below 0.00001; TOPMed below 0.00001; ExAC 0.00001.
gnomAD v4.1: 1 of 1,609,500 alleles (0.000062%); highest among the groups gnomAD compares: Non-Finnish European, 0.000085%; no homozygotes.

Submission:

Labcorp Genetics (formerly Invitae), Labcorp
Classification: Uncertain significance. Last evaluated: 2022-06-30. Review status: criteria provided, single submitter. Criteria: Invitae Variant Classification Sherloc (09022015). Collection method: clinical testing. Allele origin: germline.
Comment: This sequence change replaces proline, which is neutral and non-polar, with serine, which is neutral and polar, at codon 64 of the SEC24D protein (p.Pro64Ser). In summary, the available evidence is currently insufficient to determine the role of this variant in disease. Therefore, it has been classified as a Variant of Uncertain Significance. This variant has not been reported in the literature in individuals affected with SEC24D-related conditions. This variant is present in population databases (rs747543689, gnomAD 0.0009%). Algorithms developed to predict the effect of missense changes on protein structure and function output the following: SIFT: "Not Available"; PolyPhen-2: "Benign"; Align-GVGD: "Not Available". The serine amino acid residue is found in multiple mammalian species, which suggests that this missense change does not adversely affect protein function.